The following is an entry in ClinVar:

ClinVar aggregate classification (germline): Pathogenic (1 of 4 stars; one submission).

Submission:

Labcorp Genetics (formerly Invitae), Labcorp
Classification: Pathogenic. Last evaluated: 2023-09-08. Review status: criteria provided, single submitter. Criteria: Invitae Variant Classification Sherloc (09022015). Collection method: clinical testing. Allele origin: germline.
Comment: This variant is a gross deletion of the genomic region encompassing exon(s) 46 of the USH2A gene. This deletion is out-of-frame, and is expected to create a premature termination codon and result in an absent or disrupted protein product. Loss-of-function variants in USH2A are known to be pathogenic (PMID: 10729113, 10909849, 20507924, 25649381). For these reasons, this variant has been classified as Pathogenic. This variant has not been reported in the literature in individuals affected with USH2A-related conditions.

Literature cited by the submitters: PubMed 10729113; PubMed 10909849; PubMed 20507924; PubMed 25649381.

NC_000001.10:g.(?_216017626)_(216017848_?)del

Gene: USH2A (usherin; minus strand). Cytogenetic location: 1q41.
Variant type: Deletion.
Identifiers: ClinVar variation 2427728 (VCV002427728.4).